The following is an entry in ClinVar:

ClinVar aggregate classification (germline): Uncertain significance. Review status: criteria provided, multiple submitters, no conflicts (2 of 4 stars). 2 submissions from 2 submitters: Uncertain significance (2). Last evaluated 2025-08-14.

Conditions:
Idiopathic generalized epilepsy. Also called: Generalised epilepsy; EIG. Identifiers: MedGen C0270850, MONDO:0005579, OMIM 600669.
Inborn genetic diseases. Identifiers: MedGen C0950123, MeSH D030342.

Allele frequency attached by ClinVar (database versions not stated): gnomAD exomes below 0.00001; gnomAD 0.00001; TOPMed 0.00001; 1000 Genomes Project 30x 0.00016; 1000 Genomes Project 0.00020.
gnomAD v4.1: 3 of 1,612,984 alleles (0.00019%); highest among the groups gnomAD compares: Non-Finnish European, 0.00025%; no homozygotes.

Submissions (2):

Ambry Genetics
Classification: Uncertain significance for Inborn genetic diseases. Last evaluated: 2025-08-14. Review status: criteria provided, single submitter. Criteria: Ambry Variant Classification Scheme 2023. Collection method: clinical testing. Allele origin: germline.

Labcorp Genetics (formerly Invitae), Labcorp
Classification: Uncertain significance for Idiopathic generalized epilepsy. Last evaluated: 2023-12-11. Review status: criteria provided, single submitter. Criteria: Invitae Variant Classification Sherloc (09022015). Collection method: clinical testing. Allele origin: germline.
Comment: This sequence change replaces alanine, which is neutral and non-polar, with threonine, which is neutral and polar, at codon 336 of the RBFOX1 protein (p.Ala336Thr). This variant is present in population databases (rs560607770, gnomAD 0.0008%). This variant has not been reported in the literature in individuals affected with RBFOX1-related conditions. ClinVar contains an entry for this variant (Variation ID: 1005991). Advanced modeling of protein sequence and biophysical properties (such as structural, functional, and spatial information, amino acid conservation, physicochemical variation, residue mobility, and thermodynamic stability) performed at Invitae indicates that this missense variant is not expected to disrupt RBFOX1 protein function with a negative predictive value of 80%. In summary, the available evidence is currently insufficient to determine the role of this variant in disease. Therefore, it has been classified as a Variant of Uncertain Significance.

NM_018723.4(RBFOX1):c.943G>A (p.Ala315Thr)

Gene: RBFOX1 (RNA binding fox-1 homolog 1; plus strand). Cytogenetic location: 16p13.3.
Variant type: single nucleotide variant.
Coding change: c.943G>A on transcript NM_018723.4 (MANE Select); coding-DNA position 943, G replaced by A.
Protein change: p.Ala315Thr; replaces alanine 315 with threonine.
Molecular consequence: missense variant.
Genome position (GRCh38, 1-based): chr16:7,676,786, G>A. VCF-style: chr16-7676786-G-A. GRCh37 (hg19) VCF-style: chr16-7726788-G-A.
Other names: c.862G>A, p.Ala288Thr (NM_001142333.2); c.943G>A, p.Ala315Thr (NM_001142334.2, NM_001364800.2); c.1072G>A, p.Ala358Thr (NM_001308117.1); c.1006G>A, p.Ala336Thr (NM_145891.3, NM_145892.3, NM_145893.3); c.1006G>A (NM_145891.2); short protein forms A288T, A315T, A336T, A358T.
Identifiers: ClinVar variation 1005991 (VCV001005991.10), dbSNP rs560607770, ClinGen allele CA277424177.